The following is an entry in ClinVar:

ClinVar aggregate classification (germline): Uncertain significance. Review status: criteria provided, multiple submitters, no conflicts (2 of 4 stars). 3 submissions from 3 submitters: Uncertain significance (3). Last evaluated 2025-08-08.

Conditions:
Hereditary cancer-predisposing syndrome. Also called: Hereditary neoplastic syndrome; Neoplastic Syndromes, Hereditary; Tumor predisposition; Hereditary Cancer Syndrome. Identifiers: Orphanet 140162, MedGen C0027672, MeSH D009386, MONDO:0015356.
Familial thoracic aortic aneurysm and aortic dissection (TAAD). Also called: Thoracic aortic aneurysms and dissections. Identifiers: Orphanet 91387, MedGen C4707243, MONDO:0019625.
Juvenile polyposis syndrome (JPS). Identifiers: Orphanet 2929, MedGen C0345893, MONDO:0017380, OMIM 174900.

Submissions (3):

Ambry Genetics
Classification: Uncertain significance for Hereditary cancer-predisposing syndrome; Familial thoracic aortic aneurysm and aortic dissection. Last evaluated: 2025-08-08. Review status: criteria provided, single submitter. Criteria: Ambry Variant Classification Scheme 2023. Collection method: clinical testing. Allele origin: germline.
Comment: The p.R531Q variant (also known as c.1592G>A), located in coding exon 11 of the SMAD4 gene, results from a G to A substitution at nucleotide position 1592. The arginine at codon 531 is replaced by glutamine, an amino acid with highly similar properties. This amino acid position is highly conserved in available vertebrate species. In addition, this alteration is predicted to be deleterious by in silico analysis. Based on the available evidence, the clinical significance of this variant remains unclear.

Labcorp Genetics (formerly Invitae), Labcorp
Classification: Uncertain significance for Juvenile polyposis syndrome. Last evaluated: 2025-07-13. Review status: criteria provided, single submitter. Criteria: Invitae Variant Classification Sherloc (09022015). Collection method: clinical testing. Allele origin: germline.
Comment: This sequence change replaces arginine, which is basic and polar, with glutamine, which is neutral and polar, at codon 531 of the SMAD4 protein (p.Arg531Gln). This variant is not present in population databases (gnomAD no frequency). This variant has not been reported in the literature in individuals affected with SMAD4-related conditions. ClinVar contains an entry for this variant (Variation ID: 1006241). Invitae Evidence Modeling of protein sequence and biophysical properties (such as structural, functional, and spatial information, amino acid conservation, physicochemical variation, residue mobility, and thermodynamic stability) has been performed for this missense variant. However, the output from this modeling did not meet the statistical confidence thresholds required to predict the impact of this variant on SMAD4 protein function. In summary, the available evidence is currently insufficient to determine the role of this variant in disease. Therefore, it has been classified as a Variant of Uncertain Significance.

GeneDx
Classification: Uncertain significance. Last evaluated: 2024-02-13. Review status: criteria provided, single submitter. Criteria: GeneDx Variant Classification Process June 2021. Collection method: clinical testing. Allele origin: germline. Affected: yes.
Comment: Has not been previously published as pathogenic or benign to our knowledge; Not observed at significant frequency in large population cohorts (gnomAD); In silico analysis supports that this missense variant has a deleterious effect on protein structure/function; This variant is associated with the following publications: (PMID: 15235019, 17873119, 18823382)

NM_005359.6(SMAD4):c.1592G>A (p.Arg531Gln)

Gene: SMAD4 (SMAD family member 4; plus strand). Cytogenetic location: 18q21.2.
Variant type: single nucleotide variant.
Coding change: c.1592G>A on transcript NM_005359.6 (MANE Select); coding-DNA position 1592, G replaced by A.
Protein change: p.Arg531Gln; replaces arginine 531 with glutamine.
Molecular consequence: missense variant.
Genome position (GRCh38, 1-based): chr18:51,078,400, G>A. VCF-style: chr18-51078400-G-A. GRCh37 (hg19) VCF-style: chr18-48604770-G-A.
Other names: c.1592G>A (NM_005359.5); short protein forms R531Q.
Identifiers: ClinVar variation 1006241 (VCV001006241.8), dbSNP rs1910524938, ClinGen allele CA402466107.